The following is an entry in ClinVar:

ClinVar aggregate classification (germline): Uncertain significance (1 of 4 stars; one submission).

Submission:

Women's Health and Genetics/Laboratory Corporation of America, LabCorp
Classification: Uncertain significance. Last evaluated: 2024-09-30. Review status: criteria provided, single submitter. Criteria: LabCorp Variant Classification Summary - May 2015. Collection method: clinical testing. Allele origin: germline.
Comment: Variant summary: SHANK3 c.2617C>G (p.Arg873Gly) results in a non-conservative amino acid change in the encoded protein sequence. The frequency data for this variant in gnomAD is considered unreliable, as metrics indicate poor data quality at this position. To our knowledge, no occurrence of c.2617C>G in individuals affected with Phelan-McDermid Syndrome and no experimental evidence demonstrating its impact on protein function have been reported. No submitters have cited clinical-significance assessments for this variant to ClinVar. Based on the evidence outlined above, the variant was classified as uncertain significance.

NM_001372044.2(SHANK3):c.2617C>G (p.Pro873Ala)

Gene: SHANK3 (SH3 and multiple ankyrin repeat domains 3; plus strand). Cytogenetic location: 22q13.33.
Variant type: single nucleotide variant.
Coding change: c.2617C>G on transcript NM_001372044.2 (MANE Select); coding-DNA position 2617, C replaced by G.
Protein change: p.Pro873Ala; replaces proline 873 with alanine.
Molecular consequence: missense variant.
Genome position (GRCh38, 1-based): chr22:50,720,225, C>G. VCF-style: chr22-50720225-C-G. GRCh37 (hg19) VCF-style: chr22-51158653-C-G.
Other names: short protein forms P873A.
Identifiers: ClinVar variation 3375439 (VCV003375439.1).